The following is an entry in ClinVar:

ClinVar aggregate classification (germline): Likely benign. Review status: criteria provided, multiple submitters, no conflicts (2 of 4 stars). 6 submissions from 6 submitters: Likely benign (3). 3 of the submissions do not count toward it. Last evaluated 2025-11-27.

Conditions:
Cardiovascular phenotype. Identifiers: MedGen CN230736.
Dilated cardiomyopathy 1G (CMD1G). Identifiers: Orphanet 154, MedGen C1858763, MONDO:0011400, OMIM 604145.
Autosomal recessive limb-girdle muscular dystrophy type 2J (LGMDR10). Also called: MUSCULAR DYSTROPHY, LIMB-GIRDLE, AUTOSOMAL RECESSIVE 10; Limb-girdle muscular dystrophy, type 2J. Identifiers: Orphanet 140922, MedGen C1837342, MONDO:0012127, OMIM 608807.

Allele frequency attached by ClinVar (database versions not stated): gnomAD exomes below 0.00001 and 0.00001; ExAC 0.00001; gnomAD 0.00001; TOPMed 0.00001.
gnomAD v4.1: 7 of 1,610,916 alleles (0.00043%); highest among the groups gnomAD compares: South Asian, 0.0011%; no homozygotes.

Submissions (6):

Labcorp Genetics (formerly Invitae), Labcorp
Classification: Likely benign for Dilated cardiomyopathy 1G; Autosomal recessive limb-girdle muscular dystrophy type 2J. Last evaluated: 2025-11-27. Review status: criteria provided, single submitter. Criteria: Invitae Variant Classification Sherloc (09022015). Collection method: clinical testing. Allele origin: germline.

Ambry Genetics
Classification: Likely benign for Cardiovascular phenotype. Last evaluated: 2024-07-07. Review status: criteria provided, single submitter. Criteria: Ambry Variant Classification Scheme 2023. Collection method: clinical testing. Allele origin: germline.

GeneDx
Classification: Likely benign. Last evaluated: 2016-08-15. Review status: criteria provided, single submitter. Criteria: GeneDx Variant Classification (06012015). Collection method: clinical testing. Allele origin: germline. Affected: yes.
Comment: This variant is considered likely benign or benign based on one or more of the following criteria: it is a conservative change, it occurs at a poorly conserved position in the protein, it is predicted to be benign by multiple in silico algorithms, and/or has population frequency not consistent with disease.

Clinical Genetics DNA and cytogenetics Diagnostics Lab, Erasmus MC, Erasmus Medical Center
Classification: Likely benign. Review status: no assertion criteria provided. Collection method: clinical testing. Allele origin: germline. Affected: yes. Study: VKGL Data-share Consensus. Not counted in ClinVar's aggregate classification.

Genome Diagnostics Laboratory, University Medical Center Utrecht
Classification: Likely benign. Review status: no assertion criteria provided. Collection method: clinical testing. Allele origin: germline. Affected: yes. Study: VKGL Data-share Consensus. Not counted in ClinVar's aggregate classification.

Joint Genome Diagnostic Labs from Nijmegen and Maastricht, Radboudumc and MUMC+
Classification: Likely benign. Review status: no assertion criteria provided. Collection method: clinical testing. Allele origin: germline. Affected: yes. Study: VKGL Data-share Consensus. Not counted in ClinVar's aggregate classification.

NM_001267550.2(TTN):c.64443G>A (p.Gly21481=)

Genes: TTN-AS1 (TTN antisense RNA 1; plus strand), TTN (titin; minus strand). Cytogenetic location: 2q31.2.
Variant type: single nucleotide variant.
Coding change: c.64443G>A on transcript NM_001267550.2 (MANE Select); coding-DNA position 64443, G replaced by A.
Protein change: p.Gly21481=; no amino-acid change (glycine 21481 retained).
Molecular consequence: synonymous variant.
Genome position (GRCh38, 1-based): chr2:178,585,301, C>T on the plus strand (G>A on the coding strand, the complement: TTN is on the minus strand). VCF-style: chr2-178585301-C-T. GRCh37 (hg19) VCF-style: chr2-179450028-C-T.
Other names: c.59520G>A, p.Gly19840= (NM_001256850.1); c.37248G>A, p.Gly12416= (NM_003319.4); c.56739G>A, p.Gly18913= (NM_133378.4); c.37623G>A, p.Gly12541= (NM_133432.3); c.37824G>A, p.Gly12608= (NM_133437.4).
Identifiers: ClinVar variation 388331 (VCV000388331.15), dbSNP rs747850027, ClinGen allele CA1991901.